The following is an entry in ClinVar:

NM_213599.3(ANO5):c.88C>G (p.Gln30Glu)

Gene: ANO5 (anoctamin 5; plus strand). Cytogenetic location: 11p14.3.
Variant type: single nucleotide variant.
Coding change: c.88C>G on transcript NM_213599.3 (MANE Select); coding-DNA position 88, C replaced by G.
Protein change: p.Gln30Glu; replaces glutamine 30 with glutamic acid.
Molecular consequence: missense variant. On other transcripts: intron variant (1).
Genome position (GRCh38, 1-based): chr11:22,211,264, C>G. VCF-style: chr11-22211264-C-G. GRCh37 (hg19) VCF-style: chr11-22232810-C-G.
Other names: c.88-3C>G (NM_001142649.2); short protein forms Q30E.
Identifiers: ClinVar variation 468847 (VCV000468847.10), dbSNP rs747575706, ClinGen allele CA5922782.

ClinVar aggregate classification (germline): Uncertain significance. Review status: criteria provided, multiple submitters, no conflicts (2 of 4 stars). 2 submissions from 2 submitters: Uncertain significance (2). Last evaluated 2025-12-09.

Conditions:
Autosomal recessive limb-girdle muscular dystrophy type 2L (LGMDR12). Also called: Limb-Girdle Muscular Dystrophy R12 Anoctamin-5-Related (LGMD-R12); Limb-girdle muscular dystrophy, type 2L; MUSCULAR DYSTROPHY, LIMB-GIRDLE, AUTOSOMAL RECESSIVE 12. Identifiers: Orphanet 206549, MedGen C1969785, MONDO:0012652, OMIM 611307.
Gnathodiaphyseal dysplasia (GDD). Also called: GNATHODIAPHYSEAL SCLEROSIS; OSTEOGENESIS IMPERFECTA WITH UNUSUAL SKELETAL LESIONS. Identifiers: Orphanet 53697, MedGen C1833736, MONDO:0008151, OMIM 166260.
Inborn genetic diseases. Identifiers: MedGen C0950123, MeSH D030342.

Allele frequency attached by ClinVar (database versions not stated): gnomAD 0.00001; gnomAD exomes 0.00001 and 0.00002; TOPMed 0.00001; ExAC 0.00004.
gnomAD v4.1: 16 of 1,611,868 alleles (0.00099%); highest among the groups gnomAD compares: Non-Finnish European, 0.0014%; no homozygotes.

Submissions (2):

Ambry Genetics
Classification: Uncertain significance for Inborn genetic diseases. Last evaluated: 2025-12-09. Review status: criteria provided, single submitter. Criteria: Ambry Variant Classification Scheme 2023. Collection method: clinical testing. Allele origin: germline.

Labcorp Genetics (formerly Invitae), Labcorp
Classification: Uncertain significance for Autosomal recessive limb-girdle muscular dystrophy type 2L; Gnathodiaphyseal dysplasia. Last evaluated: 2024-11-03. Review status: criteria provided, single submitter. Criteria: Invitae Variant Classification Sherloc (09022015). Collection method: clinical testing. Allele origin: germline.
Comment: This sequence change replaces glutamine, which is neutral and polar, with glutamic acid, which is acidic and polar, at codon 30 of the ANO5 protein (p.Gln30Glu). This variant is present in population databases (rs747575706, gnomAD 0.005%). This variant has not been reported in the literature in individuals affected with ANO5-related conditions. ClinVar contains an entry for this variant (Variation ID: 468847). Invitae Evidence Modeling of protein sequence and biophysical properties (such as structural, functional, and spatial information, amino acid conservation, physicochemical variation, residue mobility, and thermodynamic stability) indicates that this missense variant is not expected to disrupt ANO5 protein function with a negative predictive value of 80%. In summary, the available evidence is currently insufficient to determine the role of this variant in disease. Therefore, it has been classified as a Variant of Uncertain Significance.